The following is an entry in ClinVar:

NM_018728.4(MYO5C):c.1008G>A (p.Val336=)

Gene: MYO5C (myosin VC; minus strand). Cytogenetic location: 15q21.2.
Variant type: single nucleotide variant.
Coding change: c.1008G>A on transcript NM_018728.4 (MANE Select); coding-DNA position 1008, G replaced by A.
Protein change: p.Val336=; no amino-acid change (valine 336 retained).
Molecular consequence: synonymous variant.
Genome position (GRCh38, 1-based): chr15:52,264,229, C>T on the plus strand (G>A on the coding strand, the complement: MYO5C is on the minus strand). VCF-style: chr15-52264229-C-T. GRCh37 (hg19) VCF-style: chr15-52556426-C-T.
Identifiers: ClinVar variation 2645355 (VCV002645355.24), dbSNP rs180901348, ClinGen allele CA7567403.

ClinVar aggregate classification (germline): Likely benign (1 of 4 stars; one submission).

Allele frequency attached by ClinVar (database versions not stated): 1000 Genomes Project 30x 0.00125; 1000 Genomes Project 0.00140; ESP Exome Variant Server 0.00336; ExAC 0.00337; gnomAD exomes 0.00501.
gnomAD v4.1: 7,811 of 1,614,050 alleles (0.48%); highest among the groups gnomAD compares: Non-Finnish European, 0.6%; 30 homozygotes.

Submission:

CeGaT Center for Human Genetics Tuebingen
Classification: Likely benign. Last evaluated: 2024-10-01. Review status: criteria provided, single submitter. Criteria: CeGaT Center For Human Genetics Tuebingen Variant Classification Criteria Version 2. Collection method: clinical testing. Allele origin: germline. Affected: yes. Observed: 2 variant alleles.
Comment: MYO5C: BP4, BS2